The following is an entry in ClinVar:

ClinVar aggregate classification (germline): Uncertain significance (1 of 4 stars; one submission).

Conditions:
Hajdu-Cheney syndrome (HJCYS). Also called: SERPENTINE FIBULA-POLYCYSTIC KIDNEY SYNDROME; Acroosteolysis dominant type; ACROOSTEOLYSIS WITH OSTEOPOROSIS AND CHANGES IN SKULL AND MANDIBLE. Identifiers: Orphanet 955, MedGen C0917715, MONDO:0007057, OMIM 102500.

Allele frequency attached by ClinVar (database versions not stated): gnomAD exomes below 0.00001.
gnomAD v4.1: 1 of 1,614,182 alleles (0.000062%); highest among the groups gnomAD compares: Non-Finnish European, 0.000085%; no homozygotes.

Submission:

Labcorp Genetics (formerly Invitae), Labcorp
Classification: Uncertain significance for Hajdu-Cheney syndrome. Last evaluated: 2023-10-28. Review status: criteria provided, single submitter. Criteria: Invitae Variant Classification Sherloc (09022015). Collection method: clinical testing. Allele origin: germline.
Comment: This sequence change replaces proline, which is neutral and non-polar, with leucine, which is neutral and non-polar, at codon 1471 of the NOTCH2 protein (p.Pro1471Leu). This variant is not present in population databases (gnomAD no frequency). This variant has not been reported in the literature in individuals affected with NOTCH2-related conditions. Advanced modeling of protein sequence and biophysical properties (such as structural, functional, and spatial information, amino acid conservation, physicochemical variation, residue mobility, and thermodynamic stability) performed at Invitae indicates that this missense variant is not expected to disrupt NOTCH2 protein function with a negative predictive value of 80%. In summary, the available evidence is currently insufficient to determine the role of this variant in disease. Therefore, it has been classified as a Variant of Uncertain Significance.

NM_024408.4(NOTCH2):c.4412C>T (p.Pro1471Leu)

Gene: NOTCH2 (notch receptor 2; minus strand). Cytogenetic location: 1p12.
Variant type: single nucleotide variant.
Coding change: c.4412C>T on transcript NM_024408.4 (MANE Select); coding-DNA position 4412, C replaced by T.
Protein change: p.Pro1471Leu; replaces proline 1471 with leucine.
Molecular consequence: missense variant.
Genome position (GRCh38, 1-based): chr1:119,925,404, G>A on the plus strand (C>T on the coding strand, the complement: NOTCH2 is on the minus strand). VCF-style: chr1-119925404-G-A. GRCh37 (hg19) VCF-style: chr1-120468027-G-A.
Other names: short protein forms P1471L.
Identifiers: ClinVar variation 3011382 (VCV003011382.3), dbSNP rs2526146881, ClinGen allele CA341889964.
Genomic context (GRCh38, chr1:119,925,404, plus strand): 5'-AACAGGCACTCGACCGTGTTGCACAGCTCATCACACTGGTTGTTGATATAATCCCAGCAG[G>A]GAAGTGGGGAGGAGCAGTTGGCCCAGGGGTTCTCCATGGTGAGAGAACAGTCACCCCCAT-3'
Protein context (NP_077719.2, residues 1461-1481): NPWANCSSPL[Pro1471Leu]CWDYINNQCD